The following is an entry in ClinVar:

NM_015557.3(CHD5):c.746-13T>A

Gene: CHD5 (chromodomain helicase DNA binding protein 5; minus strand). Cytogenetic location: 1p36.31.
Variant type: single nucleotide variant.
Coding change: c.746-13T>A on transcript NM_015557.3 (MANE Select); 13 bases into the intron before coding-DNA position 746, T replaced by A.
Molecular consequence: intron variant.
Genome position (GRCh38, 1-based): chr1:6,152,549, A>T on the plus strand (T>A on the coding strand, the complement: CHD5 is on the minus strand). VCF-style: chr1-6152549-A-T. GRCh37 (hg19) VCF-style: chr1-6212609-A-T.
Identifiers: ClinVar variation 4538271 (VCV004538271.1).

ClinVar aggregate classification (germline): Uncertain significance (1 of 4 stars; one submission).

Submission:

Greenwood Genetic Center Diagnostic Laboratories, Greenwood Genetic Center
Classification: Uncertain significance. Last evaluated: 2025-05-29. Review status: criteria provided, single submitter. Criteria: ACMG Guidelines, 2015. Collection method: clinical testing. Allele origin: germline. Affected: yes.
Comment: PM2, BP4